The following is an entry in ClinVar:

ClinVar aggregate classification (germline): Uncertain significance (1 of 4 stars; one submission).

Submission:

Labcorp Genetics (formerly Invitae), Labcorp
Classification: Uncertain significance. Last evaluated: 2024-05-02. Review status: criteria provided, single submitter. Criteria: Invitae Variant Classification Sherloc (09022015). Collection method: clinical testing. Allele origin: germline.
Comment: This sequence change replaces valine, which is neutral and non-polar, with glycine, which is neutral and non-polar, at codon 2080 of the VCAN protein (p.Val2080Gly). This variant is not present in population databases (gnomAD no frequency). This variant has not been reported in the literature in individuals affected with VCAN-related conditions. Algorithms developed to predict the effect of missense changes on protein structure and function output the following: SIFT: "Not Available"; PolyPhen-2: "Benign"; Align-GVGD: "Not Available". The glycine amino acid residue is found in multiple mammalian species, which suggests that this missense change does not adversely affect protein function. In summary, the available evidence is currently insufficient to determine the role of this variant in disease. Therefore, it has been classified as a Variant of Uncertain Significance.

NM_004385.5(VCAN):c.6239T>G (p.Val2080Gly)

Genes: VCAN (versican; plus strand), VCAN-AS1 (VCAN antisense RNA 1; minus strand). Cytogenetic location: 5q14.3.
Variant type: single nucleotide variant.
Coding change: c.6239T>G on transcript NM_004385.5 (MANE Select); coding-DNA position 6239, T replaced by G.
Protein change: p.Val2080Gly; replaces valine 2080 with glycine.
Molecular consequence: missense variant. On other transcripts: intron variant (2).
Genome position (GRCh38, 1-based): chr5:83,539,242, T>G. VCF-style: chr5-83539242-T-G. GRCh37 (hg19) VCF-style: chr5-82835061-T-G.
Other names: c.3278T>G, p.Val1093Gly (NM_001164097.2); c.4004-6295T>G (NM_001164098.2); c.1043-6295T>G (NM_001126336.3); short protein forms V1093G, V2080G.
Identifiers: ClinVar variation 3652053 (VCV003652053.2).